The following is an entry in ClinVar:

ClinVar aggregate classification (germline): Uncertain significance (1 of 4 stars; one submission).

Conditions:
Pitt-Hopkins-like syndrome 2 (PTHSL2). Identifiers: Orphanet 221150, Orphanet 600663, MedGen C3280479, MONDO:0013690, OMIM 614325.

gnomAD v4.1: 1 of 1,599,510 alleles (0.000063%); highest among the groups gnomAD compares: Non-Finnish European, 0.000085%; no homozygotes.

Submission:

Labcorp Genetics (formerly Invitae), Labcorp
Classification: Uncertain significance for Pitt-Hopkins-like syndrome 2. Last evaluated: 2025-08-15. Review status: criteria provided, single submitter. Criteria: Invitae Variant Classification Sherloc (09022015). Collection method: clinical testing. Allele origin: germline.
Comment: This sequence change replaces glycine, which is neutral and non-polar, with arginine, which is basic and polar, at codon 262 of the NRXN1 protein (p.Gly262Arg). This variant is not present in population databases (gnomAD no frequency). This variant has not been reported in the literature in individuals affected with NRXN1-related conditions. ClinVar contains an entry for this variant (Variation ID: 1476181). Invitae Evidence Modeling of protein sequence and biophysical properties (such as structural, functional, and spatial information, amino acid conservation, physicochemical variation, residue mobility, and thermodynamic stability) indicates that this missense variant is not expected to disrupt NRXN1 protein function with a negative predictive value of 80%. In summary, the available evidence is currently insufficient to determine the role of this variant in disease. Therefore, it has been classified as a Variant of Uncertain Significance.

NM_001330078.2(NRXN1):c.772+1044G>C

Gene: NRXN1 (neurexin 1; minus strand). Cytogenetic location: 2p16.3.
Variant type: single nucleotide variant.
Coding change: c.772+1044G>C on transcript NM_001330078.2 (MANE Select); 1044 bases into the intron after coding-DNA position 772, G replaced by C.
Molecular consequence: intron variant. On other transcripts: missense variant (1).
Genome position (GRCh38, 1-based): chr2:51,026,458, C>G on the plus strand (G>C on the coding strand, the complement: NRXN1 is on the minus strand). VCF-style: chr2-51026458-C-G. GRCh37 (hg19) VCF-style: chr2-51253596-C-G.
Other names: c.784G>C, p.Gly262Arg (NM_001135659.3); c.772+1044G>C (NM_001330096.2, NM_001330087.2, NM_001330083.2 and 14 more transcripts); short protein forms G262R.
Identifiers: ClinVar variation 1476181 (VCV001476181.8), dbSNP rs756504254, ClinGen allele CA346823268.
Genomic context (GRCh38, chr2:51,026,458, plus strand): 5'-TACAACAGTATTTTCCTTGGTCATTGTCATGTAACAGCACCGGCAAAACACACTGAAGAC[C>G]GAATTTTATTTCTAAAGAGGAGAAAAGAGAACTTAGGTATGACTTTTGTAGTTTAATGCC-3'